The following is an entry in ClinVar:

ClinVar aggregate classification (germline): Uncertain significance. Review status: criteria provided, multiple submitters, no conflicts (2 of 4 stars). 2 submissions from 2 submitters: Uncertain significance (2). Last evaluated 2024-05-24.

Allele frequency attached by ClinVar (database versions not stated): gnomAD exomes 0.00002; ExAC 0.00003; gnomAD 0.00004 and 0.00006; TOPMed 0.00006; 1000 Genomes Project 30x 0.00031; 1000 Genomes Project 0.00040.
gnomAD v4.1: 74 of 1,613,832 alleles (0.0046%); highest among the groups gnomAD compares: East Asian, 0.11%; no homozygotes.

Submissions (2):

GeneDx
Classification: Uncertain significance. Last evaluated: 2024-05-24. Review status: criteria provided, single submitter. Criteria: GeneDx Variant Classification Process June 2021. Collection method: clinical testing. Allele origin: germline. Affected: yes.
Comment: Identified in a patient with sensorineural hearing loss in published literature (PMID: 23967202); In silico analysis supports that this missense variant has a deleterious effect on protein structure/function; This variant is associated with the following publications: (PMID: 23967202)

Blueprint Genetics
Classification: Uncertain significance. Last evaluated: 2019-10-04. Review status: criteria provided, single submitter. Criteria: ACMG Guidelines, 2015. Collection method: clinical testing. Allele origin: germline.

NM_004999.4(MYO6):c.3814C>T (p.Arg1272Trp)

Gene: MYO6 (myosin VI; plus strand). Cytogenetic location: 6q14.1.
Variant type: single nucleotide variant.
Coding change: c.3814C>T on transcript NM_004999.4 (MANE Select); coding-DNA position 3814, C replaced by T.
Protein change: p.Arg1272Trp; replaces arginine 1272 with tryptophan.
Molecular consequence: missense variant. On other transcripts: non-coding transcript variant (1).
Genome position (GRCh38, 1-based): chr6:75,914,968, C>T. VCF-style: chr6-75914968-C-T. GRCh37 (hg19) VCF-style: chr6-76624685-C-T.
Other names: c.3745C>T, p.Arg1249Trp (NM_001300899.2); c.3718C>T, p.Arg1240Trp (NM_001368136.1); c.3775C>T, p.Arg1259Trp (NM_001368137.1); c.3730C>T, p.Arg1244Trp (NM_001368138.1); c.3841C>T, p.Arg1281Trp (NM_001368865.1); c.3814C>T, p.Arg1272Trp (NM_001368866.1); short protein forms R1272W, R1249W, R1259W, R1244W, R1240W, R1281W.
Identifiers: ClinVar variation 378220 (VCV000378220.4), dbSNP rs199699596, ClinGen allele CA3897817.